The following is an entry in ClinVar:

NM_000384.3(APOB):c.1518C>G (p.Leu506=)

Gene: APOB (apolipoprotein B; minus strand). Cytogenetic location: 2p24.1.
Variant type: single nucleotide variant.
Coding change: c.1518C>G on transcript NM_000384.3 (MANE Select); coding-DNA position 1518, C replaced by G.
Protein change: p.Leu506=; no amino-acid change (leucine 506 retained).
Molecular consequence: synonymous variant.
Genome position (GRCh38, 1-based): chr2:21,029,738, G>C on the plus strand (C>G on the coding strand, the complement: APOB is on the minus strand). VCF-style: chr2-21029738-G-C. GRCh37 (hg19) VCF-style: chr2-21252610-G-C.
Identifiers: ClinVar variation 700559 (VCV000700559.40), dbSNP rs145849843, ClinGen allele CA053867.

ClinVar aggregate classification (germline): Likely benign. Review status: criteria provided, multiple submitters, no conflicts (2 of 4 stars). 5 submissions from 5 submitters: Likely benign (5). Last evaluated 2025-09-30.

Conditions:
Hypercholesterolemia, autosomal dominant, type B (FHCL2). Also called: Familial Hypercholesterolemia Type B; Hyperlipoproteinemia Type IIb; APOB-Related Familial Hypercholesterolemia, Autosomal Dominant; HYPERCHOLESTEROLEMIA, FAMILIAL, DUE TO LIGAND-DEFECTIVE APOLIPOPROTEIN B; APOLIPOPROTEIN B-100, FAMILIAL DEFECTIVE; APOLIPOPROTEIN B-100, FAMILIAL LIGAND-DEFECTIVE. Identifiers: MedGen C1704417, MONDO:0007751, OMIM 144010.
Familial hypobetalipoproteinemia 1. Also called: Hypobetalipoproteinemia, normotriglyceridemic; Acanthocytosis with hypobetalipoproteinemia; APOB-Related Familial Hypobetalipoproteinemia. Identifiers: MedGen C4551990, MONDO:0014252, OMIM 615558.
Familial hypercholesterolemia. Also called: Familial hypercholesterolemias; Familial hypercholesterolaemia. Identifiers: MedGen C0020445, MONDO:0005439.
Cardiovascular phenotype. Identifiers: MedGen CN230736.

Allele frequency attached by ClinVar (database versions not stated): TOPMed 0.00002; gnomAD 0.00003; gnomAD exomes 0.00004; ExAC 0.00005; ESP Exome Variant Server 0.00008.
gnomAD v4.1: 49 of 1,614,042 alleles (0.003%); highest among the groups gnomAD compares: Middle Eastern, 0.033%; no homozygotes.

Submissions (5):

Labcorp Genetics (formerly Invitae), Labcorp
Classification: Likely benign for Familial hypobetalipoproteinemia 1; Hypercholesterolemia, autosomal dominant, type B. Last evaluated: 2025-09-30. Review status: criteria provided, single submitter. Criteria: Invitae Variant Classification Sherloc (09022015). Collection method: clinical testing. Allele origin: germline.

GENinCode PLC
Classification: Likely benign for Familial hypercholesterolemia. Last evaluated: 2025-01-09. Review status: criteria provided, single submitter. Criteria: ACMG Guidelines, 2015. Collection method: clinical testing. Allele origin: germline.
Comment: This is a synonymous (silent) variant that is not predicted to impact splicing and occurs at a nucleotide which is not highly conserved. This variant has been classified as Likely Benign (BP4, BP7).

Blueprint Genetics
Classification: Likely benign. Last evaluated: 2024-11-25. Review status: criteria provided, single submitter. Criteria: ACMG Guidelines, 2015. Collection method: clinical testing. Allele origin: germline.

Ambry Genetics
Classification: Likely benign for Cardiovascular phenotype. Last evaluated: 2024-02-09. Review status: criteria provided, single submitter. Criteria: Ambry Variant Classification Scheme 2023. Collection method: clinical testing. Allele origin: germline.

CeGaT Center for Human Genetics Tuebingen
Classification: Likely benign. Last evaluated: 2023-07-01. Review status: criteria provided, single submitter. Criteria: CeGaT Center For Human Genetics Tuebingen Variant Classification Criteria Version 2. Collection method: clinical testing. Allele origin: germline. Affected: yes. Observed: 1 variant allele.
Comment: APOB: BP4, BP7